The following is an entry in ClinVar:

ClinVar aggregate classification (germline): Likely pathogenic (1 of 4 stars; one submission).

Conditions:
Maple syrup urine disease (MSUD). Identifiers: Orphanet 511, MedGen C0024776, MeSH D008375, MONDO:0009563. Disease mechanism: loss of function.

Submission:

Myriad Genetics, Inc.
Classification: Likely pathogenic for Maple syrup urine disease type 1A. Last evaluated: 2022-01-02. Review status: criteria provided, single submitter. Criteria: Myriad Women's Health Autosomal Recessive and X-Linked Classification Criteria (2021). Collection method: clinical testing. Allele origin: unknown.
Comment: NM_183050.2(BCKDHB):c.211dupA(M71Nfs*13) is expected to be pathogenic in the context of maple syrup urine disease type Ib. This variant is predicted to lead to an abnormal or absent protein product due to the creation of a premature termination codon in BCKDHB, a gene where loss-of-function variants are known to be pathogenic. Please note: this variant was assessed in the context of healthy population screening.

NM_183050.4(BCKDHB):c.211dup (p.Met71fs)

Gene: BCKDHB (branched chain keto acid dehydrogenase E1 subunit beta; plus strand). Cytogenetic location: 6q14.1.
Variant type: Duplication.
Coding change: c.211dup on transcript NM_183050.4 (MANE Select); coding-DNA position 211, one base duplicated (A; older notation c.211dupA).
Protein change: p.Met71fs; shifts the reading frame from methionine 71.
Molecular consequence: frameshift variant. On other transcripts: initiator codon variant (1), non-coding transcript variant (1).
Genome position (GRCh38, 1-based): chr6:80,127,561, A duplicated; the last of 4 consecutive A bases (chr6:80,127,558-80,127,561); duplicating any one gives the same sequence. VCF-style (leftmost placement, unchanged base first): chr6-80127557-G-GA. GRCh37 (hg19) VCF-style: chr6-80837274-G-GA.
Other names: c.211dup, p.Met71fs (NM_000056.5); c.1dup, p.Met1fs (NM_001318975.1); short protein forms M1fs, M71fs.
Identifiers: ClinVar variation 1726818 (VCV001726818.3), dbSNP rs2481558517, ClinGen allele CA2580075903.